The following is an entry in ClinVar:

NM_001369.3(DNAH5):c.7459G>A (p.Ala2487Thr)

Gene: DNAH5 (dynein axonemal heavy chain 5; minus strand). Cytogenetic location: 5p15.2.
Variant type: single nucleotide variant.
Coding change: c.7459G>A on transcript NM_001369.3 (MANE Select); coding-DNA position 7459, G replaced by A.
Protein change: p.Ala2487Thr; replaces alanine 2487 with threonine.
Molecular consequence: missense variant.
Genome position (GRCh38, 1-based): chr5:13,810,209, C>T on the plus strand (G>A on the coding strand, the complement: DNAH5 is on the minus strand). VCF-style: chr5-13810209-C-T. GRCh37 (hg19) VCF-style: chr5-13810318-C-T.
Other names: short protein forms A2487T.
Identifiers: ClinVar variation 1758999 (VCV001758999.7), dbSNP rs774699675, ClinGen allele CA3203087.
Genomic context (GRCh38, chr5:13,810,209, plus strand): 5'-AGAGCTCCAGGCGGCGCCGTCCGTCCAGCTCCAGCGCCGCCCCCGCGCTCCACAGCAGCG[C>T]GAACACGAACAGCCGCCCCAGGTGAGCCTGGCTCACCTCCCCGCCTTGCTCCTGAGAAGG-3'
Protein context (NP_001360.1, residues 2477-2497): QAHLGRLFVF[Ala2487Thr]LLWSAGAALE

ClinVar aggregate classification (germline): Conflicting classifications of pathogenicity. Review status: criteria provided, conflicting classifications (1 of 4 stars). 2 submissions from 2 submitters: Uncertain significance (1); Likely benign (1). Last evaluated 2025-10-29.

Conditions:
Primary ciliary dyskinesia. Also called: Ciliary dyskinesia. Identifiers: Orphanet 244, MedGen C0008780, MONDO:0016575, HP:0012265.

gnomAD v4.1: 23 of 1,550,460 alleles (0.0015%); highest among the groups gnomAD compares: Admixed American, 0.002%; no homozygotes.

Submissions (2):

Ambry Genetics
Classification: Uncertain significance for Primary ciliary dyskinesia. Last evaluated: 2025-10-29. Review status: criteria provided, single submitter. Criteria: Ambry Variant Classification Scheme 2023. Collection method: clinical testing. Allele origin: germline.
Comment: The p.A2487T variant (also known as c.7459G>A), located in coding exon 45 of the DNAH5 gene, results from a G to A substitution at nucleotide position 7459. The alanine at codon 2487 is replaced by threonine, an amino acid with similar properties. This amino acid position is poorly conserved in available vertebrate species. In addition, this alteration is predicted to be tolerated by in silico analysis. Since supporting evidence is limited at this time, the clinical significance of this alteration remains unclear.

Labcorp Genetics (formerly Invitae), Labcorp
Classification: Likely benign for Primary ciliary dyskinesia. Last evaluated: 2022-10-20. Review status: criteria provided, single submitter. Criteria: Invitae Variant Classification Sherloc (09022015). Collection method: clinical testing. Allele origin: germline.